The following is an entry in ClinVar:

NM_000390.4(CHM):c.1334C>G (p.Ser445Ter)

Gene: CHM (CHM Rab escort protein; minus strand). Cytogenetic location: Xq21.2.
Variant type: single nucleotide variant.
Coding change: c.1334C>G on transcript NM_000390.4 (MANE Select); coding-DNA position 1334, C replaced by G.
Protein change: p.Ser445Ter; replaces serine 445 with a stop codon.
Molecular consequence: nonsense.
Genome position (GRCh38, 1-based): chrX:85,901,099, G>C on the plus strand (C>G on the coding strand, the complement: CHM is on the minus strand). VCF-style: chrX-85901099-G-C. GRCh37 (hg19) VCF-style: chrX-85156104-G-C.
Other names: c.1334C>G (LRG_699t1); c.890C>G, p.Ser297Ter (NM_001320959.1, NM_001362517.1, NM_001362518.2 and 1 more transcripts); short protein forms S445*, S297*.
Identifiers: ClinVar variation 379530 (VCV000379530.2), dbSNP rs1057520629, ClinGen allele CA16608997.

ClinVar aggregate classification (germline): Pathogenic (1 of 4 stars; one submission).

Submission:

GeneDx
Classification: Pathogenic. Last evaluated: 2015-04-08. Review status: criteria provided, single submitter. Criteria: GeneDx Variant Classification (06012015). Collection method: clinical testing. Allele origin: germline. Affected: yes.
Comment: The S445X nonsense variant in the CHM gene is predicted to cause loss of normal protein function either through protein truncation or nonsense-mediated mRNA decay. Although this variant has not been reported previously to our knowledge, we consider it to be pathogenic.